The following is an entry in ClinVar:

NM_021098.3(CACNA1H):c.4904C>T (p.Ser1635Phe)

Gene: CACNA1H (calcium voltage-gated channel subunit alpha1 H; plus strand). Cytogenetic location: 16p13.3.
Variant type: single nucleotide variant.
Coding change: c.4904C>T on transcript NM_021098.3 (MANE Select); coding-DNA position 4904, C replaced by T.
Protein change: p.Ser1635Phe; replaces serine 1635 with phenylalanine.
Molecular consequence: missense variant.
Genome position (GRCh38, 1-based): chr16:1,213,906, C>T. VCF-style: chr16-1213906-C-T. GRCh37 (hg19) VCF-style: chr16-1263906-C-T.
Other names: c.4886C>T, p.Ser1629Phe (NM_001005407.2); short protein forms S1635F, S1629F.
Identifiers: ClinVar variation 1504748 (VCV001504748.5), dbSNP rs58146518, ClinGen allele CA276606420.

ClinVar aggregate classification (germline): Uncertain significance (1 of 4 stars; one submission).

Conditions:
Idiopathic generalized epilepsy. Also called: EIG; Generalised epilepsy. Identifiers: MedGen C0270850, MONDO:0005579, OMIM 600669.
Hyperaldosteronism, familial, type IV (HALD4). Also called: FH IV; ALDOSTERONISM, PRIMARY, AND HYPERTENSION. Identifiers: Orphanet 642671, MedGen C4310756, MONDO:0014875, OMIM 617027.

Allele frequency attached by ClinVar (database versions not stated): gnomAD exomes below 0.00001; TOPMed 0.00002.
gnomAD v4.1: 2 of 1,611,632 alleles (0.00012%); highest among the groups gnomAD compares: Non-Finnish European, 0.00017%; no homozygotes.

Submission:

Labcorp Genetics (formerly Invitae), Labcorp
Classification: Uncertain significance for Idiopathic generalized epilepsy; Hyperaldosteronism, familial, type IV. Last evaluated: 2021-08-27. Review status: criteria provided, single submitter. Criteria: Invitae Variant Classification Sherloc (09022015). Collection method: clinical testing. Allele origin: germline.
Comment: This sequence change replaces serine with phenylalanine at codon 1635 of the CACNA1H protein (p.Ser1635Phe). The serine residue is highly conserved and there is a large physicochemical difference between serine and phenylalanine. This variant is not present in population databases (ExAC no frequency). This variant has not been reported in the literature in individuals affected with CACNA1H-related conditions. Algorithms developed to predict the effect of missense changes on protein structure and function (SIFT, PolyPhen-2, Align-GVGD) all suggest that this variant is likely to be disruptive. In summary, the available evidence is currently insufficient to determine the role of this variant in disease. Therefore, it has been classified as a Variant of Uncertain Significance.